The following is an entry in ClinVar:

ClinVar aggregate classification (germline): Uncertain significance. Review status: criteria provided, multiple submitters, no conflicts (2 of 4 stars). 2 submissions from 2 submitters: Uncertain significance (2). Last evaluated 2025-11-03.

Conditions:
Primary ciliary dyskinesia 12. Also called: CILIARY DYSKINESIA, PRIMARY, 12, WITHOUT SITUS INVERSUS. Identifiers: Orphanet 244, MedGen C2675228, MONDO:0012979, OMIM 612650.
Primary ciliary dyskinesia. Also called: Ciliary dyskinesia. Identifiers: Orphanet 244, MedGen C0008780, MONDO:0016575, HP:0012265.

Submissions (2):

Labcorp Genetics (formerly Invitae), Labcorp
Classification: Uncertain significance for Primary ciliary dyskinesia. Last evaluated: 2025-11-03. Review status: criteria provided, single submitter. Criteria: Invitae Variant Classification Sherloc (09022015). Collection method: clinical testing. Allele origin: germline.
Comment: This variant, c.157_174del, results in the deletion of 6 amino acid(s) of the RSPH9 protein (p.Leu53_Tyr58del), but otherwise preserves the integrity of the reading frame. This variant is not present in population databases (gnomAD no frequency). This variant has not been reported in the literature in individuals affected with RSPH9-related conditions. ClinVar contains an entry for this variant (Variation ID: 3654723). Experimental studies and prediction algorithms are not available or were not evaluated, and the functional significance of this variant is currently unknown. In summary, the available evidence is currently insufficient to determine the role of this variant in disease. Therefore, it has been classified as a Variant of Uncertain Significance.

Servicio Canario de Salud, Hospital Universitario Nuestra Sra. de Candelaria
Classification: Uncertain significance for Primary ciliary dyskinesia 12. Last evaluated: 2025-04-21. Review status: criteria provided, single submitter. Criteria: ACMG Guidelines, 2015. Collection method: clinical testing. Allele origin: germline. Inheritance: Autosomal recessive inheritance. Affected: yes. Observed: 1 homozygote.
Comment: The c.157_174del; Persistently low nasal nitric oxide levels. It predicts a deletion of 6 amino acids in the protein without loss of the protein reading frame (inframe variant). This variant is not present in population databases (gnomAD). ClinVar contains an entry for this variant (Variation ID: 3654723) and it has not been described in the scientific literature. In summary, the available evidence for c.157_174del; p.(Leu53_Tyr58del) RSPH9 variant is currently insufficient to determine the role of this variant in disease. Therefore, it has been classified as a Variant of Uncertain Significance.

NM_152732.5(RSPH9):c.157_174del (p.Leu53_Tyr58del)

Gene: RSPH9 (radial spoke head component 9; plus strand). Cytogenetic location: 6p21.1.
Variant type: Deletion.
Coding change: c.157_174del on transcript NM_152732.5 (MANE Select); coding-DNA positions 157 to 174, 18 bases deleted (CTCGTCGCCGATTACTAC).
Protein change: p.Leu53_Tyr58del.
Molecular consequence: non-coding transcript variant (on NR_187613.1).
Genome position (GRCh38, 1-based): chr6:43,645,255-43,645,272, CTCGTCGCCGATTACTAC deleted; deleting any 18 consecutive bases within chr6:43,645,254-43,645,272 gives the same sequence; the c. name uses the placement nearest the transcript's 3' end. VCF-style (leftmost placement, unchanged base first): chr6-43645253-GCCTCGTCGCCGATTACTA-G. GRCh37 (hg19) VCF-style: chr6-43612990-GCCTCGTCGCCGATTACTA-G.
Other names: c.157_174del (NM_152732.4); c.157_174del, p.Leu53_Tyr58del (NM_001193341.2, NM_001424119.1, NM_001424120.1 and 1 more transcripts).
Identifiers: ClinVar variation 3654723 (VCV003654723.3).